The following is an entry in ClinVar:

NM_001734.5(C1S):c.1093A>G (p.Ile365Val)

Gene: C1S (complement C1s; plus strand). Cytogenetic location: 12p13.31.
Variant type: single nucleotide variant.
Coding change: c.1093A>G on transcript NM_001734.5 (MANE Select); coding-DNA position 1093, A replaced by G.
Protein change: p.Ile365Val; replaces isoleucine 365 with valine.
Molecular consequence: missense variant.
Genome position (GRCh38, 1-based): chr12:7,067,669, A>G. VCF-style: chr12-7067669-A-G. GRCh37 (hg19) VCF-style: chr12-7174973-A-G.
Other names: c.1093A>G, p.Ile365Val (NM_201442.4); c.592A>G, p.Ile198Val (NM_001346850.2); short protein forms I198V, I365V.
Identifiers: ClinVar variation 3611461 (VCV003611461.2).

ClinVar aggregate classification (germline): Uncertain significance (1 of 4 stars; one submission).

Submission:

Labcorp Genetics (formerly Invitae), Labcorp
Classification: Uncertain significance. Last evaluated: 2025-12-26. Review status: criteria provided, single submitter. Criteria: Invitae Variant Classification Sherloc (09022015). Collection method: clinical testing. Allele origin: germline.
Comment: This sequence change replaces isoleucine, which is neutral and non-polar, with valine, which is neutral and non-polar, at codon 365 of the C1S protein (p.Ile365Val). This variant is not present in population databases (gnomAD no frequency). This variant has not been reported in the literature in individuals affected with C1S-related conditions. ClinVar contains an entry for this variant (Variation ID: 3611461). Invitae Evidence Modeling of protein sequence and biophysical properties (such as structural, functional, and spatial information, amino acid conservation, physicochemical variation, residue mobility, and thermodynamic stability) indicates that this missense variant is not expected to disrupt C1S protein function with a negative predictive value of 80%. In summary, the available evidence is currently insufficient to determine the role of this variant in disease. Therefore, it has been classified as a Variant of Uncertain Significance.